The following is an entry in ClinVar:

ClinVar aggregate classification (germline): Uncertain significance. Review status: criteria provided, multiple submitters, no conflicts (2 of 4 stars). 2 submissions from 2 submitters: Uncertain significance (2). Last evaluated 2025-12-02.

Conditions:
Cardiovascular phenotype. Identifiers: MedGen CN230736.
NEXN-related disorder. Also called: NEXN-related condition; NEXN-related disorders.

Allele frequency attached by ClinVar (database versions not stated): gnomAD exomes below 0.00001; TOPMed below 0.00001; ESP Exome Variant Server 0.00009.

Submissions (2):

PreventionGenetics, part of Exact Sciences
Classification: Uncertain significance for NEXN-related condition. Last evaluated: 2025-12-02. Review status: criteria provided, single submitter. Criteria: ACMG Guidelines, 2015. Collection method: clinical testing. Allele origin: germline.
Comment: The NEXN c.2001dupT variant is predicted to result in a frameshift and premature protein termination (p.Ile668Tyrfs*5). This variant resides in the final exon of this gene, and it is unclear if the resulting mRNA would undergo nonsense-mediated decay. To our knowledge, this variant has not been reported in the literature or in a large population database (gnomAD), indicating this variant is rare. At this time, the clinical significance of this variant is uncertain due to the absence of conclusive functional and genetic evidence.

Ambry Genetics
Classification: Uncertain significance for Cardiovascular phenotype. Last evaluated: 2022-11-21. Review status: criteria provided, single submitter. Criteria: Ambry Variant Classification Scheme 2023. Collection method: clinical testing. Allele origin: germline.
Comment: The c.2001dupT variant, located in coding exon 12 of the NEXN gene, results from a duplication of T at nucleotide position 2001, causing a translational frameshift with a predicted alternate stop codon (p.I668Yfs*5). This alteration occurs at the 3' terminus of theNEXN gene, is not expected to trigger nonsense-mediated mRNAdecay, and only impacts the last 1% of the protein. The exact functional effect of this alteration is unknown. Since supporting evidence is limited at this time, the clinical significance of this alteration remains unclear.

NM_144573.4(NEXN):c.2001dup (p.Ile668fs)

Gene: NEXN (nexilin F-actin binding protein; plus strand). Cytogenetic location: 1p31.1.
Variant type: Duplication.
Coding change: c.2001dup on transcript NM_144573.4 (MANE Select); coding-DNA position 2001, one base duplicated (T; older notation c.2001dupT).
Protein change: p.Ile668fs; shifts the reading frame from isoleucine 668.
Molecular consequence: frameshift variant.
Genome position (GRCh38, 1-based): chr1:77,942,802, T duplicated. VCF-style (leftmost placement, unchanged base first): chr1-77942801-G-GT. GRCh37 (hg19) VCF-style: chr1-78408486-G-GT.
Other names: c.2001dupT (NM_144573.3); c.1809dup, p.Ile604fs (NM_001172309.2); short protein forms I668fs, I604fs.
Identifiers: ClinVar variation 2449166 (VCV002449166.3), dbSNP rs1182235860, ClinGen allele CA340883719.